The following is an entry in ClinVar:

NM_000020.3(ACVRL1):c.995A>G (p.Lys332Arg)

Gene: ACVRL1 (activin A receptor like type 1; plus strand). Cytogenetic location: 12q13.13.
Variant type: single nucleotide variant.
Coding change: c.995A>G on transcript NM_000020.3 (MANE Select); coding-DNA position 995, A replaced by G.
Protein change: p.Lys332Arg; replaces lysine 332 with arginine.
Molecular consequence: missense variant.
Genome position (GRCh38, 1-based): chr12:51,915,447, A>G. VCF-style: chr12-51915447-A-G. GRCh37 (hg19) VCF-style: chr12-52309231-A-G.
Other names: c.995A>G, p.Lys332Arg (NM_001077401.2); c.995A>G (NM_000020.2); short protein forms K332R.
Identifiers: ClinVar variation 1695975 (VCV001695975.3), dbSNP rs2139073933, ClinGen allele CA384901490.

ClinVar aggregate classification (germline): Uncertain significance. Review status: criteria provided, single submitter (1 of 4 stars). 2 submissions from 2 submitters: Uncertain significance (1). 1 of the submissions does not count toward it. Last evaluated 2026-03-11.

Conditions:
Telangiectasia, hereditary hemorrhagic, type 2 (HHT2). Also called: Telangiectasia, hereditary hemorrhagic, type II; ACVRL1-Related Hereditary Hemorrhagic Telangiectasia. Identifiers: Orphanet 774, MedGen C1838163, MONDO:0010880, OMIM 600376. Disease mechanism: loss of function.
Cardiovascular phenotype. Identifiers: MedGen CN230736.

Submissions (2):

Ambry Genetics
Classification: Uncertain significance for Cardiovascular phenotype. Last evaluated: 2026-03-11. Review status: criteria provided, single submitter. Criteria: Ambry Variant Classification Scheme 2023. Collection method: clinical testing. Allele origin: germline.
Comment: The p.K332R variant (also known as c.995A>G), located in coding exon 6 of the ACVRL1 gene, results from an A to G substitution at nucleotide position 995. The lysine at codon 332 is replaced by arginine, an amino acid with highly similar properties. This amino acid position is conserved. In addition, this alteration is predicted to be deleterious by in silico analysis. Based on the available evidence, the clinical significance of this variant remains unclear.

Gemeinschaftspraxis fuer Humangenetik Dresden
Classification: Likely pathogenic for Telangiectasia, hereditary hemorrhagic, type 2. Last evaluated: 2022-04-08. Review status: no assertion criteria provided. Collection method: clinical testing. Allele origin: germline. Inheritance: Autosomal dominant inheritance. Not counted in ClinVar's aggregate classification.
Comment: The Lys332Arg is not reported in HGMD 2022.1, gnomAD (v2.1.1), dbSNP (v151) or LOVD. On same position the pathogenic mutation c.994A>G, p.(Lys332Glu) for brain arterivenous malformation and the mutation c.994A>T, p.(Lys332*) for pulmonary arterila hypertension are known. Furthermore, the p.Lys332Arg is located in the intracellular kinase domain of the ACVRL1 gene, in which most pathogenic mutations associated with hereditary hemorrhagic telangiectasia type 2 are described.